The following is an entry in ClinVar:

ClinVar aggregate classification (germline): Pathogenic. Review status: criteria provided, multiple submitters, no conflicts (2 of 4 stars). 2 submissions from 2 submitters: Pathogenic (2). Last evaluated 2023-01-11.

Conditions:
Birt-Hogg-Dube syndrome. Also called: Birt Hogg Dubé syndrome. Identifiers: Orphanet 122, MedGen C0346010, MONDO:0800444.

Submissions (2):

Myriad Genetics, Inc.
Classification: Pathogenic for Birt-Hogg-Dube syndrome 1. Last evaluated: 2023-01-11. Review status: criteria provided, single submitter. Criteria: Myriad Autosomal Dominant, Autosomal Recessive and X-Linked Classification Criteria (2023). Collection method: clinical testing. Allele origin: unknown.
Comment: This variant is considered pathogenic. This variant creates a frameshift predicted to result in premature protein truncation.

Labcorp Genetics (formerly Invitae), Labcorp
Classification: Pathogenic for Birt-Hogg-Dube syndrome. Last evaluated: 2021-02-11. Review status: criteria provided, single submitter. Criteria: Invitae Variant Classification Sherloc (09022015). Collection method: clinical testing. Allele origin: germline.
Comment: This sequence change creates a premature translational stop signal (p.Pro422Argfs*46) in the FLCN gene. It is expected to result in an absent or disrupted protein product. Loss-of-function variants in FLCN are known to be pathogenic (PMID: 15852235). This variant is not present in population databases (ExAC no frequency). This variant has not been reported in the literature in individuals with FLCN-related conditions. For these reasons, this variant has been classified as Pathogenic.

Literature cited by the submitters: PubMed 15852235 (cited by Labcorp Genetics (formerly Invitae), Labcorp).

NM_144997.7(FLCN):c.1265del (p.Pro422fs)

Gene: FLCN (folliculin; minus strand). Cytogenetic location: 17p11.2.
Variant type: Deletion.
Coding change: c.1265del on transcript NM_144997.7 (MANE Select); coding-DNA position 1265, one base deleted (C; older notation c.1265delC).
Protein change: p.Pro422fs; shifts the reading frame from proline 422.
Molecular consequence: frameshift variant.
Genome position (GRCh38, 1-based): chr17:17,216,415, G deleted on the plus strand (C on the coding strand, the reverse complement: FLCN is on the minus strand); the first of 3 consecutive G bases (chr17:17,216,415-17,216,417); deleting any one gives the same sequence. VCF-style (leftmost placement, unchanged base first): chr17-17216414-CG-C. GRCh37 (hg19) VCF-style: chr17-17119728-CG-C.
Other names: c.1319del, p.Pro440fs (NM_001353229.2); c.1265del, p.Pro422fs (NM_001353230.2, NM_001353231.2); short protein forms P422fs, P440fs.
Identifiers: ClinVar variation 1458136 (VCV001458136.6), dbSNP rs2144857383, ClinGen allele CA2573153076.